The following is an entry in ClinVar:

ClinVar aggregate classification (germline): Uncertain significance (1 of 4 stars; one submission).

Conditions:
Immunodeficiency 35 (IMD35). Also called: HIES WITH ATYPICAL MYCOBACTERIOSIS, AUTOSOMAL RECESSIVE; HYPER-IgE SYNDROME WITH ATYPICAL MYCOBACTERIOSIS, AUTOSOMAL RECESSIVE; TYK2 DEFICIENCY; Susceptibility to infection due to TYK2 deficiency. Identifiers: Orphanet 331226, MedGen C1969086, MONDO:0012682, OMIM 611521.

Allele frequency attached by ClinVar (database versions not stated): TOPMed 0.00001.

Submission:

Labcorp Genetics (formerly Invitae), Labcorp
Classification: Uncertain significance for Immunodeficiency 35. Last evaluated: 2020-02-16. Review status: criteria provided, single submitter. Criteria: Invitae Variant Classification Sherloc (09022015). Collection method: clinical testing. Allele origin: germline.
Comment: In summary, the available evidence is currently insufficient to determine the role of this variant in disease. Therefore, it has been classified as a Variant of Uncertain Significance. Algorithms developed to predict the effect of missense changes on protein structure and function (SIFT, PolyPhen-2, Align-GVGD) all suggest that this variant is likely to be disruptive, but these predictions have not been confirmed by published functional studies and their clinical significance is uncertain. This variant has not been reported in the literature in individuals with TYK2-related disease. This variant is not present in population databases (ExAC no frequency). This sequence change replaces serine with tryptophan at codon 887 of the TYK2 protein (p.Ser887Trp). The serine residue is highly conserved and there is a large physicochemical difference between serine and tryptophan.

NM_003331.5(TYK2):c.2660C>G (p.Ser887Trp)

Gene: TYK2 (tyrosine kinase 2; minus strand). Cytogenetic location: 19p13.2.
Variant type: single nucleotide variant.
Coding change: c.2660C>G on transcript NM_003331.5 (MANE Select); coding-DNA position 2660, C replaced by G.
Protein change: p.Ser887Trp; replaces serine 887 with tryptophan.
Molecular consequence: missense variant.
Genome position (GRCh38, 1-based): chr19:10,354,567, G>C on the plus strand (C>G on the coding strand, the complement: TYK2 is on the minus strand). VCF-style: chr19-10354567-G-C. GRCh37 (hg19) VCF-style: chr19-10465243-G-C.
Other names: c.2660C>G (LRG_121t1); short protein forms S887W.
Identifiers: ClinVar variation 651899 (VCV000651899.5), dbSNP rs776000744, ClinGen allele CA403990029.